The following is an entry in ClinVar:

NM_006432.5(NPC2):c.335A>G (p.Lys112Arg)

Gene: NPC2 (NPC intracellular cholesterol transporter 2; minus strand). Cytogenetic location: 14q24.3.
Variant type: single nucleotide variant.
Coding change: c.335A>G on transcript NM_006432.5 (MANE Select); coding-DNA position 335, A replaced by G.
Protein change: p.Lys112Arg; replaces lysine 112 with arginine.
Molecular consequence: missense variant.
Genome position (GRCh38, 1-based): chr14:74,484,443, T>C on the plus strand (A>G on the coding strand, the complement: NPC2 is on the minus strand). VCF-style: chr14-74484443-T-C. GRCh37 (hg19) VCF-style: chr14-74951146-T-C.
Other names: c.335A>G, p.Lys112Arg (NM_001363688.1, NM_001375440.1); short protein forms K112R.
Identifiers: ClinVar variation 1730580 (VCV001730580.2), dbSNP rs2506104391, ClinGen allele CA390532291.

ClinVar aggregate classification (germline): Uncertain significance (1 of 4 stars; one submission).

Conditions:
Inborn genetic diseases. Identifiers: MedGen C0950123, MeSH D030342.

Submission:

Ambry Genetics
Classification: Uncertain significance for Inborn genetic diseases. Last evaluated: 2022-07-14. Review status: criteria provided, single submitter. Criteria: Ambry Variant Classification Scheme 2023. Collection method: clinical testing. Allele origin: germline.
Comment: The p.K112R variant (also known as c.335A>G), located in coding exon 3 of the NPC2 gene, results from an A to G substitution at nucleotide position 335. The lysine at codon 112 is replaced by arginine, an amino acid with highly similar properties. This amino acid position is conserved. In addition, this alteration is predicted to be tolerated by in silico analysis. Since supporting evidence is limited at this time, the clinical significance of this alteration remains unclear.